The following is an entry in ClinVar:

ClinVar aggregate classification (germline): Uncertain significance (1 of 4 stars; one submission).

Conditions:
Combined immunodeficiency due to MALT1 deficiency. Also called: Immunodeficiency 12. Identifiers: Orphanet 397964, MedGen C3809583, MONDO:0014197, OMIM 615468.

Allele frequency attached by ClinVar (database versions not stated): gnomAD 0.00001.

Submission:

Labcorp Genetics (formerly Invitae), Labcorp
Classification: Uncertain significance for Combined immunodeficiency due to MALT1 deficiency. Last evaluated: 2021-08-28. Review status: criteria provided, single submitter. Criteria: Invitae Variant Classification Sherloc (09022015). Collection method: clinical testing. Allele origin: germline.
Comment: This sequence change replaces glutamine with lysine at codon 738 of the MALT1 protein (p.Gln738Lys). The glutamine residue is weakly conserved and there is a small physicochemical difference between glutamine and lysine. This variant is not present in population databases (ExAC no frequency). This variant has not been reported in the literature in individuals affected with MALT1-related conditions. Algorithms developed to predict the effect of missense changes on protein structure and function (SIFT, PolyPhen-2, Align-GVGD) all suggest that this variant is likely to be tolerated. In summary, the available evidence is currently insufficient to determine the role of this variant in disease. Therefore, it has been classified as a Variant of Uncertain Significance.

NM_006785.4(MALT1):c.2212C>A (p.Gln738Lys)

Gene: MALT1 (MALT1 paracaspase; plus strand). Cytogenetic location: 18q21.32.
Variant type: single nucleotide variant.
Coding change: c.2212C>A on transcript NM_006785.4 (MANE Select); coding-DNA position 2212, C replaced by A.
Protein change: p.Gln738Lys; replaces glutamine 738 with lysine.
Molecular consequence: missense variant.
Genome position (GRCh38, 1-based): chr18:58,747,579, C>A. VCF-style: chr18-58747579-C-A. GRCh37 (hg19) VCF-style: chr18-56414811-C-A.
Other names: c.2179C>A, p.Gln727Lys (NM_173844.3); short protein forms Q727K, Q738K.
Identifiers: ClinVar variation 1511540 (VCV001511540.5), dbSNP rs2055387209, ClinGen allele CA402576769.